The following is an entry in ClinVar:

ClinVar aggregate classification (germline): Uncertain significance (1 of 4 stars; one submission).

Conditions:
Nemaline myopathy 2 (NEM2). Also called: Nemaline myopathy 2, autosomal recessive. Identifiers: MedGen C1850569, MONDO:0009725, OMIM 256030.

Submission:

Labcorp Genetics (formerly Invitae), Labcorp
Classification: Uncertain significance for Nemaline myopathy 2. Last evaluated: 2022-08-23. Review status: criteria provided, single submitter. Criteria: Invitae Variant Classification Sherloc (09022015). Collection method: clinical testing. Allele origin: germline.
Comment: This sequence change replaces histidine, which is basic and polar, with asparagine, which is neutral and polar, at codon 785 of the NEB protein (p.His785Asn). In summary, the available evidence is currently insufficient to determine the role of this variant in disease. Therefore, it has been classified as a Variant of Uncertain Significance. Algorithms developed to predict the effect of missense changes on protein structure and function output the following: SIFT: "Tolerated"; PolyPhen-2: "Not Available"; Align-GVGD: "Class C0". The asparagine amino acid residue is found in multiple mammalian species, which suggests that this missense change does not adversely affect protein function. ClinVar contains an entry for this variant (Variation ID: 862322). This variant has not been reported in the literature in individuals affected with NEB-related conditions. This variant is not present in population databases (gnomAD no frequency).

NM_001164508.2(NEB):c.2353C>A (p.His785Asn)

Gene: NEB (nebulin; minus strand). Cytogenetic location: 2q23.3.
Variant type: single nucleotide variant.
Coding change: c.2353C>A on transcript NM_001164508.2 (MANE Select); coding-DNA position 2353, C replaced by A.
Protein change: p.His785Asn; replaces histidine 785 with asparagine.
Molecular consequence: missense variant.
Genome position (GRCh38, 1-based): chr2:151,688,354, G>T on the plus strand (C>A on the coding strand, the complement: NEB is on the minus strand). VCF-style: chr2-151688354-G-T. GRCh37 (hg19) VCF-style: chr2-152544868-G-T.
Other names: c.2353C>A, p.His785Asn (NM_001164507.2, NM_001271208.2, NM_004543.5); short protein forms H785N.
Identifiers: ClinVar variation 862322 (VCV000862322.9), dbSNP rs2099519209, ClinGen allele CA348823185.
Genomic context (GRCh38, chr2:151,688,354, plus strand): 5'-CACTCAGATTATAGGCATTGACTCTGTGTTGGATAAACTGTGGAGCATCTGCTGGTATAT[G>T]GCACTTGAACTTCTCACCTTCATGTTTTGCTTTGTAATTCAGCTGAAAAACAAAGGATAT-3'
Protein context (NP_001157980.2, residues 775-795): AKHEGEKFKC[His785Asn]IPADAPQFIQ